The following is an entry in ClinVar:

ClinVar aggregate classification (germline): Uncertain significance (1 of 4 stars; one submission).

Conditions:
Emery-Dreifuss muscular dystrophy 4, autosomal dominant (EDMD4). Also called: EMERY-DREIFUSS MUSCULAR DYSTROPHY 4 WITH VARIABLE FEATURES. Identifiers: Orphanet 261, MedGen C2751807, MONDO:0013071, OMIM 612998.
Autosomal recessive ataxia, Beauce type. Also called: Spinocerebellar ataxia, autosomal recessive 8; ATAXIA, RECESSIVE, OF BEAUCE; SYNE1-Related Autosomal Recessive Cerebellar Ataxia; SYNE1 Deficiency. Identifiers: Orphanet 88644, MedGen C1853116, MONDO:0012549, OMIM 610743.

Submission:

Labcorp Genetics (formerly Invitae), Labcorp
Classification: Uncertain significance for Emery-Dreifuss muscular dystrophy 4, autosomal dominant; Autosomal recessive ataxia, Beauce type. Last evaluated: 2022-06-18. Review status: criteria provided, single submitter. Criteria: Invitae Variant Classification Sherloc (09022015). Collection method: clinical testing. Allele origin: germline.
Comment: In summary, the available evidence is currently insufficient to determine the role of this variant in disease. Therefore, it has been classified as a Variant of Uncertain Significance. Algorithms developed to predict the effect of missense changes on protein structure and function output the following: SIFT: "Tolerated"; PolyPhen-2: "Benign"; Align-GVGD: "Class C0". The valine amino acid residue is found in multiple mammalian species, which suggests that this missense change does not adversely affect protein function. This variant has not been reported in the literature in individuals affected with SYNE1-related conditions. This variant is not present in population databases (gnomAD no frequency). This sequence change replaces isoleucine, which is neutral and non-polar, with valine, which is neutral and non-polar, at codon 326 of the SYNE1 protein (p.Ile326Val).

NM_182961.4(SYNE1):c.955A>G (p.Ile319Val)

Gene: SYNE1 (spectrin repeat containing nuclear envelope protein 1; minus strand). Cytogenetic location: 6q25.2.
Variant type: single nucleotide variant.
Coding change: c.955A>G on transcript NM_182961.4 (MANE Select); coding-DNA position 955, A replaced by G.
Protein change: p.Ile319Val; replaces isoleucine 319 with valine.
Molecular consequence: missense variant.
Genome position (GRCh38, 1-based): chr6:152,488,488, T>C on the plus strand (A>G on the coding strand, the complement: SYNE1 is on the minus strand). VCF-style: chr6-152488488-T-C. GRCh37 (hg19) VCF-style: chr6-152809623-T-C.
Other names: c.976A>G, p.Ile326Val (NM_033071.5); short protein forms I319V, I326V.
Identifiers: ClinVar variation 2179284 (VCV002179284.4), dbSNP rs2506063366, ClinGen allele CA366144645.